The following is an entry in ClinVar:

NM_006343.3(MERTK):c.961-2A>G

Genes: MERTK (MER proto-oncogene, tyrosine kinase; plus strand), LOC112806037 (Sharpr-MPRA regulatory region 3720; plus strand). Cytogenetic location: 2q13.
Variant type: single nucleotide variant.
Coding change: c.961-2A>G on transcript NM_006343.3 (MANE Select); the canonical splice acceptor site of the intron before coding-DNA position 961, A replaced by G.
Molecular consequence: splice acceptor variant.
Genome position (GRCh38, 1-based): chr2:111,975,287, A>G. VCF-style: chr2-111975287-A-G. GRCh37 (hg19) VCF-style: chr2-112732864-A-G.
Identifiers: ClinVar variation 4856340 (VCV004856340.1).

ClinVar aggregate classification (germline): Pathogenic (1 of 4 stars; one submission).

Conditions:
Retinitis pigmentosa 38 (RP38). Also called: ROD-CONE DYSTROPHY, CHILDHOOD-ONSET. Identifiers: Orphanet 791, MedGen C3151228, MONDO:0013469, OMIM 613862.

gnomAD v4.1: 1 of 1,614,162 alleles (0.000062%); highest among the groups gnomAD compares: Non-Finnish European, 0.000085%; no homozygotes.

Submission:

3billion
Classification: Pathogenic for Retinitis pigmentosa 38. Last evaluated: 2025-07-02. Review status: criteria provided, single submitter. Criteria: ACMG Guidelines, 2015. Collection method: clinical testing. Allele origin: germline. Affected: yes.
Comment: The variant is observed at an extremely low frequency in the gnomAD v4.1.0 dataset (total allele frequency: <0.001%). Predicted Consequence/Location: Canonical splice site: predicted to alter splicing and result in a loss or disruption of normal protein function. Multiple pathogenic loss-of-function variants are reported downstream of the variant. In silico tools predict the variant to alter splicing and produce an abnormal transcript [SpliceAI: 0.86 (spliceogenicity >=0.2, non-spliceogenicity <0.1)]. No sentences Therefore, this variant is classified as Pathogenic according to the recommendation of ACMG/AMP guideline.